The following is an entry in ClinVar:

NC_000023.10:g.(?_32632400)_(32632590_?)dup

Gene: DMD (dystrophin; minus strand). Cytogenetic location: Xp21.1.
Variant type: Duplication.
Identifiers: ClinVar variation 455839 (VCV000455839.6).

ClinVar aggregate classification (germline): Pathogenic (1 of 4 stars; one submission).

Conditions:
Duchenne muscular dystrophy (DMD). Also called: MUSCULAR DYSTROPHY, PSEUDOHYPERTROPHIC PROGRESSIVE, DUCHENNE TYPE; Duchenne Muscular Dystrophy (DMD). Identifiers: Orphanet 98896, MedGen C0013264, MONDO:0010679, OMIM 310200.

Submission:

Labcorp Genetics (formerly Invitae), Labcorp
Classification: Pathogenic for Duchenne muscular dystrophy. Last evaluated: 2023-06-14. Review status: criteria provided, single submitter. Criteria: Invitae Variant Classification Sherloc (09022015). Collection method: clinical testing. Allele origin: germline.
Comment: For these reasons, this variant has been classified as Pathogenic. A similar copy number variant has been observed in individuals with DMD-related muscular dystrophy (PMID: 12111668, 16917894). This variant results in a copy number gain of the genomic region encompassing exon(s) 12 of the DMD gene. While the exact position of this variant cannot be determined from the data, sub-genic copy number gains are generally in tandem (PMID: 25640679). This variant is predicted to be out-of-frame, and may result in an absent or disrupted protein product. Loss-of-function variants in DMD are known to be pathogenic (PMID: 16770791, 25007885).

Literature cited by the submitters: PubMed 12111668; PubMed 16917894; PubMed 25640679; PubMed 16770791; PubMed 25007885.